The following is an entry in ClinVar:

NM_001384732.1(CPLANE1):c.9094G>C (p.Val3032Leu)

Gene: CPLANE1 (ciliogenesis and planar polarity effector complex subunit 1; minus strand). Cytogenetic location: 5p13.2.
Variant type: single nucleotide variant.
Coding change: c.9094G>C on transcript NM_001384732.1 (MANE Select); coding-DNA position 9094, G replaced by C.
Protein change: p.Val3032Leu; replaces valine 3032 with leucine.
Molecular consequence: missense variant.
Genome position (GRCh38, 1-based): chr5:37,121,708, C>G on the plus strand (G>C on the coding strand, the complement: CPLANE1 is on the minus strand). VCF-style: chr5-37121708-C-G. GRCh37 (hg19) VCF-style: chr5-37121810-C-G.
Other names: c.8932G>C, p.Val2978Leu (NM_023073.4); short protein forms V3032L, V2978L.
Identifiers: ClinVar variation 2127942 (VCV002127942.4), dbSNP rs2546641157, ClinGen allele CA359495661.

ClinVar aggregate classification (germline): Uncertain significance (1 of 4 stars; one submission).

Submission:

Labcorp Genetics (formerly Invitae), Labcorp
Classification: Uncertain significance. Last evaluated: 2022-04-19. Review status: criteria provided, single submitter. Criteria: Invitae Variant Classification Sherloc (09022015). Collection method: clinical testing. Allele origin: germline.
Comment: This sequence change replaces valine, which is neutral and non-polar, with leucine, which is neutral and non-polar, at codon 2978 of the CPLANE1 protein (p.Val2978Leu). In summary, the available evidence is currently insufficient to determine the role of this variant in disease. Therefore, it has been classified as a Variant of Uncertain Significance. Advanced modeling of protein sequence and biophysical properties (such as structural, functional, and spatial information, amino acid conservation, physicochemical variation, residue mobility, and thermodynamic stability) performed at Invitae indicates that this missense variant is not expected to disrupt CPLANE1 protein function. This variant has not been reported in the literature in individuals affected with CPLANE1-related conditions. This variant is not present in population databases (gnomAD no frequency).